The following is an entry in ClinVar:

NM_005732.4(RAD50):c.1019A>G (p.Asn340Ser)

Gene: RAD50 (RAD50 double strand break repair protein; plus strand). Cytogenetic location: 5q31.1.
Variant type: single nucleotide variant.
Coding change: c.1019A>G on transcript NM_005732.4 (MANE Select); coding-DNA position 1019, A replaced by G.
Protein change: p.Asn340Ser; replaces asparagine 340 with serine.
Molecular consequence: missense variant.
Genome position (GRCh38, 1-based): chr5:132,588,057, A>G. VCF-style: chr5-132588057-A-G. GRCh37 (hg19) VCF-style: chr5-131923749-A-G.
Other names: short protein forms N340S.
Identifiers: ClinVar variation 457361 (VCV000457361.12), dbSNP rs776934742, ClinGen allele CA3405074.

ClinVar aggregate classification (germline): Uncertain significance. Review status: criteria provided, multiple submitters, no conflicts (2 of 4 stars). 3 submissions from 3 submitters: Uncertain significance (3). Last evaluated 2025-12-17.

Conditions:
Hereditary cancer-predisposing syndrome. Also called: Neoplastic Syndromes, Hereditary; Tumor predisposition; Hereditary neoplastic syndrome; Hereditary Cancer Syndrome. Identifiers: Orphanet 140162, MedGen C0027672, MeSH D009386, MONDO:0015356.

Allele frequency attached by ClinVar (database versions not stated): gnomAD exomes 0.00001 and 0.00002; ExAC 0.00002; gnomAD 0.00001; TOPMed below 0.00001.
gnomAD v4.1: 8 of 1,612,692 alleles (0.0005%); highest among the groups gnomAD compares: Admixed American, 0.005%; no homozygotes.

Submissions (3):

Ambry Genetics
Classification: Uncertain significance for Hereditary cancer-predisposing syndrome. Last evaluated: 2025-12-17. Review status: criteria provided, single submitter. Criteria: Ambry Variant Classification Scheme 2023. Collection method: clinical testing. Allele origin: germline.
Comment: The p.N340S variant (also known as c.1019A>G), located in coding exon 7 of the RAD50 gene, results from an A to G substitution at nucleotide position 1019. The asparagine at codon 340 is replaced by serine, an amino acid with highly similar properties. This amino acid position is well conserved in available vertebrate species. In addition, this alteration is predicted to be tolerated by in silico analysis. Since supporting evidence is limited at this time, the clinical significance of this alteration remains unclear.

Labcorp Genetics (formerly Invitae), Labcorp
Classification: Uncertain significance for Hereditary cancer-predisposing syndrome. Last evaluated: 2025-05-14. Review status: criteria provided, single submitter. Criteria: Invitae Variant Classification Sherloc (09022015). Collection method: clinical testing. Allele origin: germline.
Comment: This sequence change replaces asparagine, which is neutral and polar, with serine, which is neutral and polar, at codon 340 of the RAD50 protein (p.Asn340Ser). This variant is present in population databases (rs776934742, gnomAD 0.006%). This variant has not been reported in the literature in individuals affected with RAD50-related conditions. ClinVar contains an entry for this variant (Variation ID: 457361). Invitae Evidence Modeling of protein sequence and biophysical properties (such as structural, functional, and spatial information, amino acid conservation, physicochemical variation, residue mobility, and thermodynamic stability) indicates that this missense variant is not expected to disrupt RAD50 protein function with a negative predictive value of 80%. In summary, the available evidence is currently insufficient to determine the role of this variant in disease. Therefore, it has been classified as a Variant of Uncertain Significance.

Quest Diagnostics Nichols Institute San Juan Capistrano
Classification: Uncertain significance. Last evaluated: 2025-04-12. Review status: criteria provided, single submitter. Criteria: Quest Diagnostics criteria. Collection method: clinical testing. Allele origin: unknown.
Comment: The RAD50 c.1019A>G (p.Asn340Ser) variant has not been reported in individuals with RAD50-related conditions in the published literature. The frequency of this variant in the general population (Genome Aggregation Database) is uninformative in the assessment of its pathogenicity. Analysis of this variant using bioinformatics tools for the prediction of the effect of amino acid changes on protein structure and function yielded predictions that this variant is benign. Based on the available information, we are unable to determine the clinical significance of this variant.